The following is an entry in ClinVar:

NM_024675.4(PALB2):c.473A>T (p.Gln158Leu)

Gene: PALB2 (partner and localizer of BRCA2; minus strand). Cytogenetic location: 16p12.2.
Variant type: single nucleotide variant.
Coding change: c.473A>T on transcript NM_024675.4 (MANE Select); coding-DNA position 473, A replaced by T.
Protein change: p.Gln158Leu; replaces glutamine 158 with leucine.
Molecular consequence: missense variant.
Genome position (GRCh38, 1-based): chr16:23,636,073, T>A on the plus strand (A>T on the coding strand, the complement: PALB2 is on the minus strand). VCF-style: chr16-23636073-T-A. GRCh37 (hg19) VCF-style: chr16-23647394-T-A.
Other names: short protein forms Q158L.
Identifiers: ClinVar variation 925724 (VCV000925724.4), dbSNP rs1349641343, ClinGen allele CA395137129.

ClinVar aggregate classification (germline): Uncertain significance (1 of 4 stars; one submission).

Conditions:
Hereditary cancer-predisposing syndrome. Also called: Neoplastic Syndromes, Hereditary; Tumor predisposition; Hereditary Cancer Syndrome; Hereditary neoplastic syndrome. Identifiers: Orphanet 140162, MedGen C0027672, MeSH D009386, MONDO:0015356.

Allele frequency attached by ClinVar (database versions not stated): gnomAD 0.00001.
gnomAD v4.1: 1 of 1,613,966 alleles (0.000062%); no homozygotes.

Submission:

Color Diagnostics, LLC DBA Color Health
Classification: Uncertain significance for Hereditary cancer-predisposing syndrome. Last evaluated: 2024-03-06. Review status: criteria provided, single submitter. Criteria: ACMG Guidelines, 2015. Collection method: clinical testing. Allele origin: germline.
Comment: This missense variant replaces glutamine with leucine at codon 158 of the PALB2 protein. Computational prediction tool suggests that this variant may not impact protein structure and function (internally defined REVEL score threshold <=0.5, PMID: 27666373). Splice site prediction tools suggest that this variant may not impact RNA splicing. To our knowledge, functional studies have not been performed for this variant. This variant has not been reported in individuals affected with hereditary cancer in the literature. This variant has not been identified in the general population by the Genome Aggregation Database (gnomAD). The available evidence is insufficient to determine the role of this variant in disease conclusively. Therefore, this variant is classified as a Variant of Uncertain Significance.